The following is an entry in ClinVar:

ClinVar aggregate classification (germline): Uncertain significance (1 of 4 stars; one submission).

Submission:

GeneDx
Classification: Uncertain significance. Last evaluated: 2026-04-03. Review status: criteria provided, single submitter. Criteria: GeneDx Variant Classification Process June 2021. Collection method: clinical testing. Allele origin: germline.
Comment: Not observed at significant frequency in large population cohorts (gnomAD); In silico analysis supports that this missense variant has a deleterious effect on protein structure/function; Has not been previously published as pathogenic or benign to our knowledge

NM_002653.5(PITX1):c.438G>C (p.Lys146Asn)

Gene: PITX1 (paired like homeodomain 1; minus strand). Cytogenetic location: 5q31.1.
Variant type: single nucleotide variant.
Coding change: c.438G>C on transcript NM_002653.5 (MANE Select); coding-DNA position 438, G replaced by C.
Protein change: p.Lys146Asn; replaces lysine 146 with asparagine.
Molecular consequence: missense variant.
Genome position (GRCh38, 1-based): chr5:135,029,286, C>G on the plus strand (G>C on the coding strand, the complement: PITX1 is on the minus strand). VCF-style: chr5-135029286-C-G. GRCh37 (hg19) VCF-style: chr5-134364976-C-G.
Other names: short protein forms K146N.
Identifiers: ClinVar variation 5018199 (VCV005018199.1).